The following is an entry in ClinVar:

NM_001105206.3(LAMA4):c.191C>T (p.Ala64Val)

Genes: LAMA4 (laminin subunit alpha 4; minus strand), LAMA4-AS1 (LAMA4 antisense RNA 1; plus strand). Cytogenetic location: 6q21.
Variant type: single nucleotide variant.
Coding change: c.191C>T on transcript NM_001105206.3 (MANE Select); coding-DNA position 191, C replaced by T.
Protein change: p.Ala64Val; replaces alanine 64 with valine.
Molecular consequence: missense variant.
Genome position (GRCh38, 1-based): chr6:112,253,960, G>A on the plus strand (C>T on the coding strand, the complement: LAMA4 is on the minus strand). VCF-style: chr6-112253960-G-A. GRCh37 (hg19) VCF-style: chr6-112575162-G-A.
Other names: c.191C>T, p.Ala64Val (NM_001105207.3, NM_001105208.3, NM_001105209.3 and 1 more transcripts); c.191C>T (NM_002290.3); short protein forms A64V.
Identifiers: ClinVar variation 864343 (VCV000864343.11), dbSNP rs376091454, ClinGen allele CA3966320.

ClinVar aggregate classification (germline): Conflicting classifications of pathogenicity. Review status: criteria provided, conflicting classifications (1 of 4 stars). 4 submissions from 4 submitters: Uncertain significance (3); Likely benign (1). Last evaluated 2025-08-06.

Conditions:
Cardiovascular phenotype. Identifiers: MedGen CN230736.
Dilated cardiomyopathy 1JJ (CMD1JJ). Identifiers: Orphanet 154, MedGen C3808935, MONDO:0014095, OMIM 615235.

Allele frequency attached by ClinVar (database versions not stated): gnomAD exomes 0.00003 and 0.00004; ESP Exome Variant Server 0.00008; TOPMed 0.00002; ExAC 0.00003; gnomAD 0.00002.
gnomAD v4.1: 47 of 1,593,572 alleles (0.0029%); highest among the groups gnomAD compares: Middle Eastern, 0.099%; no homozygotes.

Submissions (4):

GeneDx
Classification: Uncertain significance. Last evaluated: 2025-08-06. Review status: criteria provided, single submitter. Criteria: GeneDx Variant Classification Process June 2021. Collection method: clinical testing. Allele origin: germline. Affected: yes.
Comment: Identified in a patient with LNVC and a patient with DCM in published literature (PMID: 33500567, 32826072); In silico analysis supports that this missense variant has a deleterious effect on protein structure/function; This variant is associated with the following publications: (PMID: 33500567, 32826072)

Labcorp Genetics (formerly Invitae), Labcorp
Classification: Uncertain significance for Dilated cardiomyopathy 1JJ. Last evaluated: 2025-07-20. Review status: criteria provided, single submitter. Criteria: Invitae Variant Classification Sherloc (09022015). Collection method: clinical testing. Allele origin: germline.
Comment: This sequence change replaces alanine, which is neutral and non-polar, with valine, which is neutral and non-polar, at codon 64 of the LAMA4 protein (p.Ala64Val). This variant is present in population databases (rs376091454, gnomAD 0.005%). This variant has not been reported in the literature in individuals affected with LAMA4-related conditions. ClinVar contains an entry for this variant (Variation ID: 864343). An algorithm developed to predict the effect of missense changes on protein structure and function (PolyPhen-2) suggests that this variant is likely to be tolerated. In summary, the available evidence is currently insufficient to determine the role of this variant in disease. Therefore, it has been classified as a Variant of Uncertain Significance.

Ambry Genetics
Classification: Likely benign for Cardiovascular phenotype. Last evaluated: 2024-03-20. Review status: criteria provided, single submitter. Criteria: Ambry Variant Classification Scheme 2023. Collection method: clinical testing. Allele origin: germline.

Fulgent Genetics
Classification: Uncertain significance for Dilated cardiomyopathy 1JJ. Last evaluated: 2021-10-15. Review status: criteria provided, single submitter. Criteria: ACMG Guidelines, 2015. Collection method: clinical testing. Allele origin: unknown.